The following is an entry in ClinVar:

NM_001497.4(B4GALT1):c.203C>T (p.Ala68Val)

Genes: B4GALT1 (beta-1,4-galactosyltransferase 1; minus strand), B4GALT1-AS1 (B4GALT1 antisense RNA 1; plus strand). Cytogenetic location: 9p21.1.
Variant type: single nucleotide variant.
Coding change: c.203C>T on transcript NM_001497.4 (MANE Select); coding-DNA position 203, C replaced by T.
Protein change: p.Ala68Val; replaces alanine 68 with valine.
Molecular consequence: missense variant. On other transcripts: non-coding transcript variant (2).
Genome position (GRCh38, 1-based): chr9:33,166,967, G>A on the plus strand (C>T on the coding strand, the complement: B4GALT1 is on the minus strand). VCF-style: chr9-33166967-G-A. GRCh37 (hg19) VCF-style: chr9-33166965-G-A.
Other names: c.164C>T, p.Ala55Val (NM_001378495.1); c.203C>T, p.Ala68Val (NM_001378496.1, NM_001378497.1); short protein forms A55V, A68V.
Identifiers: ClinVar variation 3716748 (VCV003716748.2).

ClinVar aggregate classification (germline): Uncertain significance (1 of 4 stars; one submission).

gnomAD v4.1: 37 of 1,581,584 alleles (0.0023%); highest among the groups gnomAD compares: Non-Finnish European, 0.0031%; no homozygotes.

Submission:

Labcorp Genetics (formerly Invitae), Labcorp
Classification: Uncertain significance. Last evaluated: 2024-04-25. Review status: criteria provided, single submitter. Criteria: Invitae Variant Classification Sherloc (09022015). Collection method: clinical testing. Allele origin: germline.
Comment: This sequence change replaces alanine, which is neutral and non-polar, with valine, which is neutral and non-polar, at codon 68 of the B4GALT1 protein (p.Ala68Val). The frequency data for this variant in the population databases is considered unreliable, as metrics indicate poor data quality at this position in the gnomAD database. This variant has not been reported in the literature in individuals affected with B4GALT1-related conditions. An algorithm developed to predict the effect of missense changes on protein structure and function (PolyPhen-2) suggests that this variant is likely to be tolerated. In summary, the available evidence is currently insufficient to determine the role of this variant in disease. Therefore, it has been classified as a Variant of Uncertain Significance.